The following is an entry in ClinVar:

NM_022101.4(STEEP1):c.244C>G (p.Pro82Ala)

Gene: STEEP1 (STING1 ER exit protein 1; minus strand). Cytogenetic location: Xq24.
Variant type: single nucleotide variant.
Coding change: c.244C>G on transcript NM_022101.4 (MANE Select); coding-DNA position 244, C replaced by G.
Protein change: p.Pro82Ala; replaces proline 82 with alanine.
Molecular consequence: missense variant. On other transcripts: intron variant (1).
Genome position (GRCh38, 1-based): chrX:119,545,503, G>C on the plus strand (C>G on the coding strand, the complement: STEEP1 is on the minus strand). VCF-style: chrX-119545503-G-C. GRCh37 (hg19) VCF-style: chrX-118679466-G-C.
Other names: c.97C>G, p.Pro33Ala (NM_001170569.1); c.243-1012C>G (NM_001170570.2); short protein forms P33A, P82A.
Identifiers: ClinVar variation 4279749 (VCV004279749.1).

ClinVar aggregate classification (germline): Uncertain significance (1 of 4 stars; one submission).

Conditions:
Intellectual developmental disorder, X-linked 107. Also called: Intellectual disability, X-linked 107; MENTAL RETARDATION, X-LINKED 107. Identifiers: MedGen C4692652, MONDO:0049222, OMIM 301013.

gnomAD v4.1: 1 of 1,160,636 alleles (0.000086%); highest among the groups gnomAD compares: East Asian, 0.003%; no homozygotes.

Submission:

Clinical Genomics Laboratory, Washington University in St. Louis
Classification: Uncertain significance for Intellectual developmental disorder, X-linked 107. Last evaluated: 2025-05-08. Review status: criteria provided, single submitter. Criteria: ACMG Guidelines, 2015. Collection method: clinical testing. Allele origin: germline.
Comment: The CXorf56/STEEP1 c.244C>G (p.Pro82Ala) variant, to our knowledge, has not been reported in the medical literature and is absent from the general population (gnomAD v.2.1.1), indicating it is not a common variant. Although this variant is predicted to cause a missense variation, it also occurs in the second nucleotide of exon 3 and is predicted to create a novel AG, which could function as a novel splice acceptor site, although computational algorithms do not confirm this possibility. Missense computational predictors suggest that the variant does not impact the CXorf56/STEEP1 function. Due to limited information, the clinical significance of this variant is uncertain.